The following is an entry in ClinVar:

NM_001606.5(ABCA2):c.953G>A (p.Arg318Gln)

Gene: ABCA2 (ATP binding cassette subfamily A member 2; minus strand). Cytogenetic location: 9q34.3.
Variant type: single nucleotide variant.
Coding change: c.953G>A on transcript NM_001606.5 (MANE Select); coding-DNA position 953, G replaced by A.
Protein change: p.Arg318Gln; replaces arginine 318 with glutamine.
Molecular consequence: missense variant.
Genome position (GRCh38, 1-based): chr9:137,021,006, C>T on the plus strand (G>A on the coding strand, the complement: ABCA2 is on the minus strand). VCF-style: chr9-137021006-C-T. GRCh37 (hg19) VCF-style: chr9-139915458-C-T.
Other names: c.950G>A, p.Arg317Gln (NM_001411042.1); c.1043G>A, p.Arg348Gln (NM_212533.3); short protein forms R317Q, R318Q, R348Q.
Identifiers: ClinVar variation 1803658 (VCV001803658.1), dbSNP rs113211392, ClinGen allele CA5355613.

ClinVar aggregate classification (germline): Uncertain significance (1 of 4 stars; one submission).

Allele frequency attached by ClinVar (database versions not stated): gnomAD exomes 0.00001; TOPMed 0.00002; gnomAD 0.00005.
gnomAD v4.1: 27 of 1,497,218 alleles (0.0018%); highest among the groups gnomAD compares: South Asian, 0.0026%; no homozygotes.

Submission:

GeneDx
Classification: Uncertain significance. Last evaluated: 2022-06-10. Review status: criteria provided, single submitter. Criteria: GeneDx Variant Classification Process June 2021. Collection method: clinical testing. Allele origin: germline. Affected: yes.
Comment: In silico analysis supports that this missense variant does not alter protein structure/function; Has not been previously published as pathogenic or benign to our knowledge